The following is an entry in ClinVar:

NM_006767.4(LZTR1):c.1638CAT[1] (p.Ile547del)

Gene: LZTR1 (leucine zipper like post translational regulator 1; plus strand). Cytogenetic location: 22q11.21.
Variant type: Microsatellite.
Coding change: c.1638CAT[1] on transcript NM_006767.4 (MANE Select); one copy of the 3-base unit CAT starting at c.1638; the reference has two copies in a row; one copy, 3 bases deleted.
Protein change: p.Ile547del; deletes isoleucine 547.
Molecular consequence: inframe deletion.
Genome position (GRCh38, 1-based): chr22:20,994,583-20,994,585, CAT deleted; deleting any 3 consecutive bases within chr22:20,994,579-20,994,585 gives the same sequence; the position shown is the placement nearest the transcript's 3' end. VCF-style (leftmost placement, unchanged base first): chr22-20994578-CTCA-C. GRCh37 (hg19) VCF-style: chr22-21348867-CTCA-C.
Other names: c.1641_1643delCAT (NM_006767.3); short protein forms I547del.
Identifiers: ClinVar variation 1366800 (VCV001366800.8), dbSNP rs2147967861, ClinGen allele CA2580615257.

ClinVar aggregate classification (germline): Uncertain significance. Review status: criteria provided, multiple submitters, no conflicts (2 of 4 stars). 2 submissions from 2 submitters: Uncertain significance (2). Last evaluated 2025-06-17.

Conditions:
Hereditary cancer-predisposing syndrome. Also called: Neoplastic Syndromes, Hereditary; Tumor predisposition; Hereditary neoplastic syndrome; Hereditary Cancer Syndrome. Identifiers: Orphanet 140162, MedGen C0027672, MeSH D009386, MONDO:0015356.
Cardiovascular phenotype. Identifiers: MedGen CN230736.

Submissions (2):

Labcorp Genetics (formerly Invitae), Labcorp
Classification: Uncertain significance. Last evaluated: 2025-06-17. Review status: criteria provided, single submitter. Criteria: Invitae Variant Classification Sherloc (09022015). Collection method: clinical testing. Allele origin: germline.
Comment: This variant, c.1641_1643del, results in the deletion of 1 amino acid(s) of the LZTR1 protein (p.Ile547del), but otherwise preserves the integrity of the reading frame. This variant is not present in population databases (gnomAD no frequency). This variant has been observed in individual(s) with schwannomatosis (internal data). Experimental studies and prediction algorithms are not available or were not evaluated, and the functional significance of this variant is currently unknown. In summary, the available evidence is currently insufficient to determine the role of this variant in disease. Therefore, it has been classified as a Variant of Uncertain Significance.

Ambry Genetics
Classification: Uncertain significance for Cardiovascular phenotype; Hereditary cancer-predisposing syndrome. Last evaluated: 2023-06-19. Review status: criteria provided, single submitter. Criteria: Ambry Variant Classification Scheme 2023. Collection method: clinical testing. Allele origin: germline.
Comment: The c.1641_1643delCAT variant (also known as p.I547del) is located in coding exon 15 of the LZTR1 gene. This variant results from an in-frame CAT deletion at nucleotide positions 1641 to 1643. This results in the in-frame deletion of an isoleucine at codon 547. This amino acid position is well conserved in available vertebrate species. In addition, this alteration is predicted to be deleterious by in silico analysis (Choi Y et al. PLoS ONE. 2012; 7(10):e46688). Since supporting evidence is limited at this time, the clinical significance of this alteration remains unclear.